The following is an entry in ClinVar:

NM_024675.4(PALB2):c.2835-5C>A

Gene: PALB2 (partner and localizer of BRCA2; minus strand). Cytogenetic location: 16p12.2.
Variant type: single nucleotide variant.
Coding change: c.2835-5C>A on transcript NM_024675.4 (MANE Select); 5 bases into the intron before coding-DNA position 2835, C replaced by A.
Molecular consequence: intron variant.
Genome position (GRCh38, 1-based): chr16:23,623,135, G>T on the plus strand (C>A on the coding strand, the complement: PALB2 is on the minus strand). VCF-style: chr16-23623135-G-T. GRCh37 (hg19) VCF-style: chr16-23634456-G-T.
Identifiers: ClinVar variation 460962 (VCV000460962.13), dbSNP rs1555459605, ClinGen allele CA658658401.

ClinVar aggregate classification (germline): Conflicting classifications of pathogenicity. Review status: criteria provided, conflicting classifications (1 of 4 stars). 2 submissions from 2 submitters: Uncertain significance (1); Likely benign (1). Last evaluated 2025-09-03.

Conditions:
Familial cancer of breast. Also called: BREAST CANCER, FAMILIAL; Hereditary breast cancer; hereditary breast carcinoma. Identifiers: Orphanet 227535, MedGen C0346153, MONDO:0016419, OMIM 114480. Disease mechanism: loss of function.
Hereditary cancer-predisposing syndrome. Also called: Neoplastic Syndromes, Hereditary; Hereditary Cancer Syndrome; Hereditary neoplastic syndrome; Tumor predisposition. Identifiers: Orphanet 140162, MedGen C0027672, MeSH D009386, MONDO:0015356.

Submissions (2):

Ambry Genetics
Classification: Uncertain significance for Hereditary cancer-predisposing syndrome. Last evaluated: 2025-09-03. Review status: criteria provided, single submitter. Criteria: Ambry Variant Classification Scheme 2023. Collection method: clinical testing. Allele origin: germline.
Comment: The c.2835-5C>A intronic variant results from a C to A substitution 5 nucleotides upstream from coding exon 9 in the PALB2 gene. This nucleotide position is poorly conserved in available vertebrate species. In silico splice site analysis predicts that this alteration will not have any significant effect on splicing. Based on the available evidence, the clinical significance of this variant remains unclear.

Labcorp Genetics (formerly Invitae), Labcorp
Classification: Likely benign for Familial cancer of breast. Last evaluated: 2024-03-20. Review status: criteria provided, single submitter. Criteria: Invitae Variant Classification Sherloc (09022015). Collection method: clinical testing. Allele origin: germline.